The following is an entry in ClinVar:

NM_001134363.3(RBM20):c.3366G>A (p.Glu1122=)

Gene: RBM20 (RNA binding motif protein 20; plus strand). Cytogenetic location: 10q25.2.
Variant type: single nucleotide variant.
Coding change: c.3366G>A on transcript NM_001134363.3 (MANE Select); coding-DNA position 3366, G replaced by A.
Protein change: p.Glu1122=; no amino-acid change (glutamic acid 1122 retained).
Molecular consequence: synonymous variant.
Genome position (GRCh38, 1-based): chr10:110,823,529, G>A. VCF-style: chr10-110823529-G-A. GRCh37 (hg19) VCF-style: chr10-112583287-G-A.
Other names: c.3366G>A (NM_001134363.2).
Identifiers: ClinVar variation 44007 (VCV000044007.13), dbSNP rs397516613, ClinGen allele CA133365.

ClinVar aggregate classification (germline): Likely benign. Review status: criteria provided, multiple submitters, no conflicts (2 of 4 stars). 6 submissions from 6 submitters: Likely benign (6). Last evaluated 2025-12-30.

Conditions:
Cardiovascular phenotype. Identifiers: MedGen CN230736.
Cardiomyopathy (CMYO). Also called: Cardiomyopathies. Identifiers: Orphanet 167848, MedGen C0878544, MONDO:0004994, HP:0001638. Inheritance: Various modes of inheritance.
Dilated cardiomyopathy 1DD (CMD1DD). Identifiers: Orphanet 154, MedGen C2750995, MONDO:0013168, OMIM 613172.

Allele frequency attached by ClinVar (database versions not stated): gnomAD exomes below 0.00001 and 0.00001; ExAC 0.00005.
gnomAD v4.1: 6 of 1,545,650 alleles (0.00039%); highest among the groups gnomAD compares: Non-Finnish European, 0.00052%; no homozygotes.

Submissions (6):

Labcorp Genetics (formerly Invitae), Labcorp
Classification: Likely benign for Dilated cardiomyopathy 1DD. Last evaluated: 2025-12-30. Review status: criteria provided, single submitter. Criteria: Invitae Variant Classification Sherloc (09022015). Collection method: clinical testing. Allele origin: germline.

Molecular Diagnostic Laboratory for Inherited Cardiovascular Disease, Montreal Heart Institute
Classification: Likely benign. Last evaluated: 2025-04-09. Review status: criteria provided, single submitter. Criteria: ACMG Guidelines, 2015. Collection method: clinical testing. Allele origin: germline. Affected: no.

Ambry Genetics
Classification: Likely benign for Cardiovascular phenotype. Last evaluated: 2024-11-03. Review status: criteria provided, single submitter. Criteria: Ambry Variant Classification Scheme 2023. Collection method: clinical testing. Allele origin: germline.

Blueprint Genetics
Classification: Likely benign. Last evaluated: 2024-03-15. Review status: criteria provided, single submitter. Criteria: ACMG Guidelines, 2015. Collection method: clinical testing. Allele origin: germline.

CHEO Genetics Diagnostic Laboratory, Children's Hospital of Eastern Ontario
Classification: Likely benign for Cardiomyopathy. Last evaluated: 2021-10-13. Review status: criteria provided, single submitter. Criteria: ACMG Guidelines, 2015. Collection method: clinical testing. Allele origin: germline.

Laboratory for Molecular Medicine, Mass General Brigham Personalized Medicine
Classification: Likely benign. Last evaluated: 2015-08-06. Review status: criteria provided, single submitter. Criteria: LMM Criteria. Collection method: clinical testing. Allele origin: germline. Observed: 2 variant alleles.
Comment: p.Glu1122Glu in exon 12 of RBM20: This variant is not expected to have clinical significance because it does not alter an amino acid residue and is not located within the splice consensus sequence. It has been identified in 1/8736 European chromosomes by the Exome Aggregation Consortium (ExAC; dbSNP rs397516613).